The following is an entry in ClinVar:

NM_004304.5(ALK):c.76G>C (p.Gly26Arg)

Gene: ALK (ALK receptor tyrosine kinase; minus strand). Cytogenetic location: 2p23.1.
Variant type: single nucleotide variant.
Coding change: c.76G>C on transcript NM_004304.5 (MANE Select); coding-DNA position 76, G replaced by C.
Protein change: p.Gly26Arg; replaces glycine 26 with arginine.
Molecular consequence: missense variant.
Genome position (GRCh38, 1-based): chr2:29,920,584, C>G on the plus strand (G>C on the coding strand, the complement: ALK is on the minus strand). VCF-style: chr2-29920584-C-G. GRCh37 (hg19) VCF-style: chr2-30143450-C-G.
Other names: short protein forms G26R.
Identifiers: ClinVar variation 2586689 (VCV002586689.2), dbSNP rs1060500214, ClinGen allele CA346590737.

ClinVar aggregate classification (germline): Uncertain significance (1 of 4 stars; one submission).

Conditions:
Hereditary cancer-predisposing syndrome. Also called: Hereditary neoplastic syndrome; Tumor predisposition; Hereditary Cancer Syndrome; Neoplastic Syndromes, Hereditary. Identifiers: Orphanet 140162, MedGen C0027672, MeSH D009386, MONDO:0015356.

Submission:

Ambry Genetics
Classification: Uncertain significance for Hereditary cancer-predisposing syndrome. Last evaluated: 2023-07-27. Review status: criteria provided, single submitter. Criteria: Ambry Variant Classification Scheme 2023. Collection method: clinical testing. Allele origin: germline.
Comment: The p.G26R variant (also known as c.76G>C), located in coding exon 1 of the ALK gene, results from a G to C substitution at nucleotide position 76. The glycine at codon 26 is replaced by arginine, an amino acid with dissimilar properties. This amino acid position is conserved. In addition, this alteration is predicted to be tolerated by in silico analysis. Since supporting evidence is limited at this time, the clinical significance of this alteration remains unclear.